The following is an entry in ClinVar:

ClinVar aggregate classification (germline): Likely benign. Review status: criteria provided, multiple submitters, no conflicts (2 of 4 stars). 3 submissions from 3 submitters: Likely benign (3). Last evaluated 2025-01-09.

Conditions:
Familial hypercholesterolemia. Also called: Familial hypercholesterolemias; Familial hypercholesterolaemia. Identifiers: MedGen C0020445, MONDO:0005439.
Cardiovascular phenotype. Identifiers: MedGen CN230736.
Hypercholesterolemia, autosomal dominant, type B (FHCL2). Also called: APOB-Related Familial Hypercholesterolemia, Autosomal Dominant; Hyperlipoproteinemia Type IIb; Familial Hypercholesterolemia Type B; APOLIPOPROTEIN B-100, FAMILIAL DEFECTIVE; APOLIPOPROTEIN B-100, FAMILIAL LIGAND-DEFECTIVE; Familial hypercholesterolemia 2. Identifiers: MedGen C1704417, MONDO:0007751, OMIM 144010.
Familial hypobetalipoproteinemia 1. Also called: APOB-Related Familial Hypobetalipoproteinemia; Hypobetalipoproteinemia, normotriglyceridemic; Acanthocytosis with hypobetalipoproteinemia. Identifiers: MedGen C4551990, MONDO:0014252, OMIM 615558.

Allele frequency attached by ClinVar (database versions not stated): gnomAD exomes below 0.00001; gnomAD 0.00002; TOPMed 0.00002.
gnomAD v4.1: 5 of 1,613,952 alleles (0.00031%); highest among the groups gnomAD compares: Admixed American, 0.0033%; no homozygotes.

Submissions (3):

GENinCode PLC
Classification: Likely benign for Familial hypercholesterolemia. Last evaluated: 2025-01-09. Review status: criteria provided, single submitter. Criteria: ACMG Guidelines, 2015. Collection method: clinical testing. Allele origin: germline.
Comment: This is a synonymous (silent) variant that is not predicted to impact splicing and occurs at a nucleotide which is not highly conserved. This variant has been classified as Likely Benign (BP4, BP7).

Labcorp Genetics (formerly Invitae), Labcorp
Classification: Likely benign for Familial hypobetalipoproteinemia 1; Hypercholesterolemia, autosomal dominant, type B. Last evaluated: 2023-02-05. Review status: criteria provided, single submitter. Criteria: Invitae Variant Classification Sherloc (09022015). Collection method: clinical testing. Allele origin: germline.

Ambry Genetics
Classification: Likely benign for Cardiovascular phenotype. Last evaluated: 2020-11-01. Review status: criteria provided, single submitter. Criteria: Ambry Variant Classification Scheme 2023. Collection method: clinical testing. Allele origin: germline.

NM_000384.3(APOB):c.8736A>T (p.Thr2912=)

Gene: APOB (apolipoprotein B; minus strand). Cytogenetic location: 2p24.1.
Variant type: single nucleotide variant.
Coding change: c.8736A>T on transcript NM_000384.3 (MANE Select); coding-DNA position 8736, A replaced by T.
Protein change: p.Thr2912=; no amino-acid change (threonine 2912 retained).
Molecular consequence: synonymous variant.
Genome position (GRCh38, 1-based): chr2:21,008,132, T>A on the plus strand (A>T on the coding strand, the complement: APOB is on the minus strand). VCF-style: chr2-21008132-T-A. GRCh37 (hg19) VCF-style: chr2-21231004-T-A.
Identifiers: ClinVar variation 627975 (VCV000627975.10), dbSNP rs1465722009, ClinGen allele CA425344454.
Genomic context (GRCh38, chr2:21,008,132, plus strand): 5'-GGCCCATTTCCATGACCCTTTTCCAGAAGAAGTCCATGCTATGTGGCCAGCTTTCAACAG[T>A]GTCTTGATCTCGTTGCGCAGGTCAGCCTGACTAGAGAAGTCCAGTTTGGGGATGTTCAAT-3'
Protein context (NP_000375.3, residues 2902-2922): SQADLRNEIK[Thr2912=]LLKAGHIAWT